The following is an entry in ClinVar:

NM_001384140.1(PCDH15):c.2441A>G (p.Asp814Gly)

Gene: PCDH15 (protocadherin related 15; minus strand). Cytogenetic location: 10q21.1.
Variant type: single nucleotide variant.
Coding change: c.2441A>G on transcript NM_001384140.1 (MANE Select); coding-DNA position 2441, A replaced by G.
Protein change: p.Asp814Gly; replaces aspartic acid 814 with glycine.
Molecular consequence: missense variant.
Genome position (GRCh38, 1-based): chr10:54,022,977, T>C on the plus strand (A>G on the coding strand, the complement: PCDH15 is on the minus strand). VCF-style: chr10-54022977-T-C. GRCh37 (hg19) VCF-style: chr10-55782737-T-C.
Other names: c.2456A>G, p.Asp819Gly (NM_001142763.2, NM_001142771.2); c.2441A>G, p.Asp814Gly (NM_001142764.2, NM_001142766.2, NM_001142770.3 and 5 more transcripts); c.2228A>G, p.Asp743Gly (NM_001142765.2); c.2330A>G, p.Asp777Gly (NM_001142767.2); c.2375A>G, p.Asp792Gly (NM_001142768.2, NM_001142773.2, NM_001354404.2); c.2477A>G, p.Asp826Gly (NM_001142769.4); c.2462A>G, p.Asp821Gly (NM_001354411.2); short protein forms D743G, D777G, D792G, D814G, D819G, D821G, D826G.
Identifiers: ClinVar variation 1000256 (VCV001000256.4), dbSNP rs200430672, ClinGen allele CA207201547.

ClinVar aggregate classification (germline): Uncertain significance. Review status: criteria provided, single submitter (1 of 4 stars). 2 submissions from 2 submitters: Uncertain significance (1). 1 of the submissions does not count toward it. Last evaluated 2025-03-31.

Conditions:
Usher syndrome type 1F (USH1F). Also called: USHER SYNDROME, TYPE IF. Identifiers: Orphanet 231169, Orphanet 886, MedGen C1865885, MONDO:0011186, OMIM 602083.

Allele frequency attached by ClinVar (database versions not stated): TOPMed below 0.00001; gnomAD 0.00001; gnomAD exomes 0.00001; 1000 Genomes Project 30x 0.00016; 1000 Genomes Project 0.00020.
gnomAD v4.1: 11 of 1,613,974 alleles (0.00068%); highest among the groups gnomAD compares: African/African-American, 0.0093%; no homozygotes.

Submissions (2):

Labcorp Genetics (formerly Invitae), Labcorp
Classification: Uncertain significance. Last evaluated: 2025-03-31. Review status: criteria provided, single submitter. Criteria: Invitae Variant Classification Sherloc (09022015). Collection method: clinical testing. Allele origin: germline.
Comment: This sequence change replaces aspartic acid, which is acidic and polar, with glycine, which is neutral and non-polar, at codon 814 of the PCDH15 protein (p.Asp814Gly). This variant is not present in population databases (gnomAD no frequency). This missense change has been observed in individual(s) with deafness (PMID: 32467589). ClinVar contains an entry for this variant (Variation ID: 1000256). Invitae Evidence Modeling of protein sequence and biophysical properties (such as structural, functional, and spatial information, amino acid conservation, physicochemical variation, residue mobility, and thermodynamic stability) indicates that this missense variant is not expected to disrupt PCDH15 protein function with a negative predictive value of 95%. In summary, the available evidence is currently insufficient to determine the role of this variant in disease. Therefore, it has been classified as a Variant of Uncertain Significance.

Natera, Inc.
Classification: Uncertain significance for Usher syndrome type 1F. Last evaluated: 2020-09-03. Review status: no assertion criteria provided. Collection method: clinical testing. Allele origin: germline. Not counted in ClinVar's aggregate classification.

Literature cited by the submitters: PubMed 32467589 (cited by Labcorp Genetics (formerly Invitae), Labcorp).